The following is an entry in ClinVar:

NM_004333.6(BRAF):c.1742-265C>T

Gene: BRAF (B-Raf proto-oncogene, serine/threonine kinase; minus strand). Cytogenetic location: 7q34.
Variant type: single nucleotide variant.
Coding change: c.1742-265C>T on transcript NM_004333.6 (MANE Select); 265 bases into the intron before coding-DNA position 1742, C replaced by T.
Molecular consequence: intron variant.
Genome position (GRCh38, 1-based): chr7:140,753,658, G>A on the plus strand (C>T on the coding strand, the complement: BRAF is on the minus strand). VCF-style: chr7-140753658-G-A. GRCh37 (hg19) VCF-style: chr7-140453458-G-A.
Other names: c.1742-265C>T (NM_001378474.1, NM_001378468.1, NM_001354609.2); c.1640-265C>T (NM_001378470.1); c.1478-265C>T (NM_001378475.1); c.1631-265C>T (NM_001378471.1); c.1862-265C>T (NM_001374258.1, NM_001374244.1); c.1751-265C>T (NM_001378467.1); c.1586-265C>T (NM_001378472.1, NM_001378473.1); c.1676-265C>T (NM_001378469.1).
Identifiers: ClinVar variation 561888 (VCV000561888.1), dbSNP rs71645988, ClinGen allele CA168047805.

ClinVar aggregate classification (germline): Benign (1 of 4 stars; one submission).

Allele frequency attached by ClinVar (database versions not stated): gnomAD exomes 0.00221; gnomAD 0.01810 and 0.01927; TOPMed 0.02088; 1000 Genomes Project 0.02216; 1000 Genomes Project 30x 0.02405.
gnomAD v4.1: 3,193 of 354,456 alleles (0.9%); highest among the groups gnomAD compares: African/African-American, 6.2%; 102 homozygotes.

Submission:

GeneDx
Classification: Benign. Last evaluated: 2018-06-19. Review status: criteria provided, single submitter. Criteria: GeneDx Variant Classification (06012015). Collection method: clinical testing. Allele origin: germline. Affected: yes.
Comment: This variant is considered likely benign or benign based on one or more of the following criteria: it is a conservative change, it occurs at a poorly conserved position in the protein, it is predicted to be benign by multiple in silico algorithms, and/or has population frequency not consistent with disease.